The following is an entry in ClinVar:

ClinVar aggregate classification (germline): Uncertain significance (1 of 4 stars; one submission).

Conditions:
Nemaline myopathy 2 (NEM2). Also called: Nemaline myopathy 2, autosomal recessive. Identifiers: MedGen C1850569, MONDO:0009725, OMIM 256030.

Allele frequency attached by ClinVar (database versions not stated): gnomAD exomes below 0.00001.
gnomAD v4.1: 1 of 1,613,942 alleles (0.000062%); highest among the groups gnomAD compares: Admixed American, 0.0017%; no homozygotes.

Submission:

Labcorp Genetics (formerly Invitae), Labcorp
Classification: Uncertain significance for Nemaline myopathy 2. Last evaluated: 2022-03-26. Review status: criteria provided, single submitter. Criteria: Invitae Variant Classification Sherloc (09022015). Collection method: clinical testing. Allele origin: germline.
Comment: This variant has not been reported in the literature in individuals affected with NEB-related conditions. In summary, the available evidence is currently insufficient to determine the role of this variant in disease. Therefore, it has been classified as a Variant of Uncertain Significance. Algorithms developed to predict the effect of missense changes on protein structure and function are either unavailable or do not agree on the potential impact of this missense change (SIFT: "Deleterious"; PolyPhen-2: "Not Available"; Align-GVGD: "Class C0"). This variant is present in population databases (no rsID available, gnomAD 0.003%). This sequence change replaces cysteine, which is neutral and slightly polar, with serine, which is neutral and polar, at codon 4073 of the NEB protein (p.Cys4073Ser).

NM_001164508.2(NEB):c.12218G>C (p.Cys4073Ser)

Gene: NEB (nebulin; minus strand). Cytogenetic location: 2q23.3.
Variant type: single nucleotide variant.
Coding change: c.12218G>C on transcript NM_001164508.2 (MANE Select); coding-DNA position 12218, G replaced by C.
Protein change: p.Cys4073Ser; replaces cysteine 4073 with serine.
Molecular consequence: missense variant.
Genome position (GRCh38, 1-based): chr2:151,609,921, C>G on the plus strand (G>C on the coding strand, the complement: NEB is on the minus strand). VCF-style: chr2-151609921-C-G. GRCh37 (hg19) VCF-style: chr2-152466435-C-G.
Other names: c.12218G>C, p.Cys4073Ser (NM_001164507.2, NM_001271208.2); c.11489G>C, p.Cys3830Ser (NM_004543.5); short protein forms C3830S, C4073S.
Identifiers: ClinVar variation 1503520 (VCV001503520.6), dbSNP rs1316221324, ClinGen allele CA348777128.